The following is an entry in ClinVar:

NM_006031.6(PCNT):c.607del (p.His203fs)

Gene: PCNT (pericentrin; plus strand). Cytogenetic location: 21q22.3.
Variant type: Deletion.
Coding change: c.607del on transcript NM_006031.6 (MANE Select); coding-DNA position 607, one base deleted (C; older notation c.607delC).
Protein change: p.His203fs; shifts the reading frame from histidine 203.
Molecular consequence: frameshift variant.
Genome position (GRCh38, 1-based): chr21:46,334,736, C deleted; the last of 2 consecutive C bases (chr21:46,334,735-46,334,736); deleting either gives the same sequence. VCF-style (leftmost placement, unchanged base first): chr21-46334734-AC-A. GRCh37 (hg19) VCF-style: chr21-47754648-AC-A.
Other names: c.252delC (NM_001315529.2); c.253del, p.His85fs (NM_001315529.2); short protein forms H203fs, H85fs.
Identifiers: ClinVar variation 915399 (VCV000915399.6), dbSNP rs767416279, ClinGen allele CA10078311.

ClinVar aggregate classification (germline): Pathogenic/Likely pathogenic. Review status: criteria provided, multiple submitters, no conflicts (2 of 4 stars). 2 submissions from 2 submitters: Pathogenic (1); Likely pathogenic (1). Last evaluated 2023-12-30.

Conditions:
Microcephalic osteodysplastic primordial dwarfism type II (MOPD2). Also called: MOPD II; OSTEODYSPLASTIC PRIMORDIAL DWARFISM, TYPE II; Microcephalic osteodysplastic primordial dwarfism with tooth abnormalities. Identifiers: Orphanet 2637, MedGen C0432246, MONDO:0008872, OMIM 210720.

Submissions (2):

Labcorp Genetics (formerly Invitae), Labcorp
Classification: Pathogenic. Last evaluated: 2023-12-30. Review status: criteria provided, single submitter. Criteria: Invitae Variant Classification Sherloc (09022015). Collection method: clinical testing. Allele origin: germline.
Comment: This sequence change creates a premature translational stop signal (p.His203Thrfs*50) in the PCNT gene. It is expected to result in an absent or disrupted protein product. Loss-of-function variants in PCNT are known to be pathogenic (PMID: 18174396, 22821869). This variant is present in population databases (rs767416279, gnomAD 0.0009%). This variant has not been reported in the literature in individuals affected with PCNT-related conditions. ClinVar contains an entry for this variant (Variation ID: 915399). For these reasons, this variant has been classified as Pathogenic.

Genomic Research Center, Shahid Beheshti University of Medical Sciences
Classification: Likely pathogenic for Microcephalic osteodysplastic primordial dwarfism type II. Last evaluated: 2020-05-03. Review status: criteria provided, single submitter. Criteria: ACMG Guidelines, 2015. Collection method: clinical testing. Allele origin: unknown. Affected: no.

Literature cited by the submitters: PubMed 18174396 (cited by Labcorp Genetics (formerly Invitae), Labcorp); PubMed 22821869 (cited by Labcorp Genetics (formerly Invitae), Labcorp).